The following is an entry in ClinVar:

NM_000152.5(GAA):c.546G>T (p.Thr182=)

Gene: GAA (alpha glucosidase; plus strand). Cytogenetic location: 17q25.3.
Variant type: single nucleotide variant.
Coding change: c.546G>T on transcript NM_000152.5 (MANE Select); coding-DNA position 546, G replaced by T.
Protein change: p.Thr182=; no amino-acid change (threonine 182 retained).
Molecular consequence: synonymous variant.
Genome position (GRCh38, 1-based): chr17:80,105,132, G>T. VCF-style: chr17-80105132-G-T. GRCh37 (hg19) VCF-style: chr17-78078931-G-T.
Other names: NM_000152.5(GAA):c.546G>T; p.Thr182=; c.546G>T, p.Thr182= (NM_001079803.3, NM_001079804.3); c.546G>T (NM_000152.4, LRG_673t1).
Identifiers: ClinVar variation 370637 (VCV000370637.19), dbSNP rs143523371, ClinGen allele CA16041884.

ClinVar aggregate classification (germline): Pathogenic. Review status: reviewed by expert panel (3 of 4 stars). 6 submissions from 6 submitters: Pathogenic (1). 5 of the submissions do not count toward it. Last evaluated 2021-12-02.

Conditions:
Glycogen storage disease, type II (IOPD). Also called: CARDIOMEGALIA GLYCOGENICA DIFFUSA; GLYCOGENOSIS, GENERALIZED, CARDIAC FORM; GSD II; Glucosidase acid-1,4-alpha deficiency; Glycogen storage disease type 2; Acid maltase deficiency disease. Identifiers: Orphanet 365, MedGen C0017921, MONDO:0009290, OMIM 232300.

gnomAD v4.1: 12 of 1,603,912 alleles (0.00075%); highest among the groups gnomAD compares: East Asian, 0.0045%; no homozygotes.

Submissions (6):

ClinGen Lysosomal Storage Disorder Variant Curation Expert Panel
Classification: Pathogenic for Glycogen storage disease, type II. Last evaluated: 2021-12-02. Review status: reviewed by expert panel. Criteria: clingen_lsd_acmg_specifications_v2-1. Collection method: curation. Allele origin: germline. Inheritance: Autosomal recessive inheritance.
Comment: The NM_000152.5:c.546C>T (p.Thr182=) variant in GAA is a synonymous (silent) variant that alters the last nucleotide of exon 2 and has been found to impact splicing of intron 2 (PMID 19609281, 21757382, 33168984). At least 20 patients with Pompe disease and this variant have been reported including 17 patients with documented laboratory values for GAA activity <10% of normal mean control level of GAA activity in leukocytes, <30% of normal mean control level of GAA activity in cultured fibroblasts or activity in the affected range in cultured skin fibroblasts, leukocytes, lymphocytes, or dried blood spot (PMID 19609281, 21982629, 25388776, 28433475, 29124014, 30093193); pseudodeficiency variants are confirmed absent in one of these patients (PMID 28433475)(PP4_Moderate). The patients typically have late onset Pompe disease and are of East Asian descent. Of these patients, two are compound heterozygous for the variant and a variant that has been classified as pathogenic by the ClinGen LSD VCEP, including c.118C>T (p.Arg40Ter) (PMID 29124014, ClinVar SCV SCV001371737.1), and c.1935C>A (p.Asp645Glu)(PMID 21757382), and seven patients are homozygous for the variant (PMID 20202878, 21982629, 29124014, 30093193). Additional patients are compound heterozygous for the variant and a missense variant - c.796C>T (p.Pro266Ser) (PMID 29124014), c.1099T>G (p.Trp367Gly) (PMID 29124014), c.1316T>A (p.Met439Lys)(PMID 28433475), p.Arg600Cys (PMID 19609281, 20202878, 21982629), c.2171C>A (p.Ala724Asp)(PMID 25388776), c.2481G>A (p.Gln827His) (PMID 29124014); the in trans data from these patients will be used in assessment of these variants and is not included here in order to avoid circular logic (PM3_Strong). This variant is absent in gnomAD v2.1.1 (PM2_Supporting). Results of RT-PCR and subsequent sequencing of cDNA from patient skin fibroblasts from multiple studies are consistent with c.546G>T being a leaky splice variant, with production of some normal transcript in addition to skipping of exon 2 and use of a cryptic splice site in intron 2 (PMID 19609281, 21757382, 33168984)(PS3). Consistent with this finding, the computational splicing predictor SpliceAI gives a score of 0.69 for donor loss, predicting that the variant disrupts the donor splice site of intron 2 of GAA (PP3). Of note, additional variants at this position, c.546G>A (ClinVar Variation ID: 280955) and c.546G>C (ClinVar Variation ID: 281056), have also been reported in patients with Pompe disease. There is a ClinVar entry for this variant (Variation ID: 370637, 1 star review status) with one submitter classifying the variant as likely pathogenic. In summary, this variant meets the criteria to be classified as pathogenic for Pompe disease. ACMG/AMP criteria met, as specified by the ClinGen Lysosomal Storage Disorders Variant Curation Expert Panel (ACMG/AMP specifications version 2.0): PS3, PM3_Strong, PP4_Moderate, PP3, PM2_Supporting.

Genomenon, Inc
Classification: Pathogenic for Glycogen storage disease, type II. Last evaluated: 2026-07-01. Review status: criteria provided, single submitter. Criteria: Genomenon Sequence Variant Interpretation Standards - Updated. Collection method: curation. Allele origin: germline. Affected: yes. Not counted in ClinVar's aggregate classification.
Comment: GAA c.546G>T is a synonymous variant that retains Threonine at codon 182. This variant has been observed in at least one proband with a GAA-related disorder in the compound heterozygous and/or homozygous state (PMID:39835171;39010129;33168984;22196155;27629975;30093193;29124014;28433475;19609281;20202878;21984055;25388776). Functional studies have been reported (PMID:21982629). At least one splicing study has demonstrated that this variant results in aberrant splicing (PMID:33168984;31301153;22196155;21757382). It is absent or not present at a significant frequency in gnomAD. In conclusion, we classify GAA c.546G>T (p.Thr182=) as a pathogenic variant.

Labcorp Genetics (formerly Invitae), Labcorp
Classification: Pathogenic for Glycogen storage disease, type II. Last evaluated: 2024-09-02. Review status: criteria provided, single submitter. Criteria: Invitae Variant Classification Sherloc (09022015). Collection method: clinical testing. Allele origin: germline. Not counted in ClinVar's aggregate classification.
Comment: This sequence change affects codon 182 of the GAA mRNA. It is a 'silent' change, meaning that it does not change the encoded amino acid sequence of the GAA protein. RNA analysis indicates that this variant induces altered splicing and is likely to result in the loss of the initiator methionine. This variant is not present in population databases (gnomAD no frequency). This variant has been observed in individual(s) with adult onset Pompe disease (PMID: 19609281, 22196155, 30093193). In at least one individual the data is consistent with being in trans (on the opposite chromosome) from a pathogenic variant. ClinVar contains an entry for this variant (Variation ID: 370637). Algorithms developed to predict the effect of variants on gene product structure and function are not available or were not evaluated for this variant. Experimental studies have shown that this variant affects GAA function (PMID: 21982629). Variants that disrupt the consensus splice site are a relatively common cause of aberrant splicing (PMID: 17576681, 9536098). Studies have shown that this variant results in skipping of exon 2, and is expected to result in the loss of the initiator methionine (PMID: 19609281, 31301153). For these reasons, this variant has been classified as Pathogenic.

Natera, Inc.
Classification: Pathogenic for Glycogen storage disease type II. Last evaluated: 2024-06-03. Review status: criteria provided, single submitter. Criteria: Natera Variant Classification Schema (03/2026). Collection method: clinical testing. Allele origin: germline. Not counted in ClinVar's aggregate classification.
Comment: The c.546G>T variant in GAA is a synonymous variant that does not alter the encoded amino acid at position 182 (p.T182=). This variant is rare in the general population with a frequency below the threshold expected for the associated phenotype(s). This variant has been observed in one or more individuals affected with the associated recessive disease, as either homozygous or compound heterozygous with a second variant (PMID: 21982629). Functional studies show that this variant may disrupt protein function (PMID: 21982629). Computational prediction algorithms indicate this variant is likely to affect gene or protein function. Given the available evidence, this variant is classified as Pathogenic.

Revvity Omics, Revvity
Classification: Pathogenic. Last evaluated: 2021-08-11. Review status: criteria provided, single submitter. Criteria: ACMG Guidelines, 2015. Collection method: clinical testing. Allele origin: germline. Not counted in ClinVar's aggregate classification.

Counsyl
Classification: Likely pathogenic for Glycogen storage disease, type II. Last evaluated: 2016-03-21. Review status: no assertion criteria provided. Collection method: clinical testing. Allele origin: unknown. Not counted in ClinVar's aggregate classification.

Literature cited by the submitters: PubMed 39835171 (cited by Genomenon, Inc); PubMed 39010129 (cited by Genomenon, Inc); PubMed 33168984 (cited by Genomenon, Inc); PubMed 22196155 (cited by Genomenon, Inc and Labcorp Genetics (formerly Invitae), Labcorp); PubMed 27629975 (cited by Genomenon, Inc); PubMed 30093193 (cited by Genomenon, Inc and Labcorp Genetics (formerly Invitae), Labcorp); PubMed 29124014 (cited by Genomenon, Inc); PubMed 28433475 (cited by Genomenon, Inc); PubMed 19609281 (cited by Genomenon, Inc and Labcorp Genetics (formerly Invitae), Labcorp); PubMed 20202878 (cited by Genomenon, Inc and Counsyl); PubMed 21984055 (cited by Genomenon, Inc and Counsyl); PubMed 25388776 (cited by Genomenon, Inc); PubMed 21982629 (cited by 4 submitters); PubMed 31301153 (cited by Genomenon, Inc and Labcorp Genetics (formerly Invitae), Labcorp); PubMed 21757382 (cited by Genomenon, Inc); PubMed 17576681 (cited by Labcorp Genetics (formerly Invitae), Labcorp); PubMed 9536098 (cited by Labcorp Genetics (formerly Invitae), Labcorp); PubMed 14695532 (cited by Counsyl); PubMed 22027144 (cited by Counsyl).